The following is an entry in ClinVar:

NM_001365536.1(SCN9A):c.5777T>C (p.Leu1926Ser)

Genes: SCN1A-AS1 (SCN1A and SCN9A antisense RNA 1; plus strand), SCN9A (sodium voltage-gated channel alpha subunit 9; minus strand). Cytogenetic location: 2q24.3.
Variant type: single nucleotide variant.
Coding change: c.5777T>C on transcript NM_001365536.1 (MANE Select); coding-DNA position 5777, T replaced by C.
Protein change: p.Leu1926Ser; replaces leucine 1926 with serine.
Molecular consequence: missense variant.
Genome position (GRCh38, 1-based): chr2:166,198,862, A>G on the plus strand (T>C on the coding strand, the complement: SCN9A is on the minus strand). VCF-style: chr2-166198862-A-G. GRCh37 (hg19) VCF-style: chr2-167055372-A-G.
Other names: c.5744T>C, p.Leu1915Ser (NM_002977.4); short protein forms L1926S, L1915S.
Identifiers: ClinVar variation 2948996 (VCV002948996.3), dbSNP rs2468874440, ClinGen allele CA349051525.

ClinVar aggregate classification (germline): Uncertain significance (1 of 4 stars; one submission).

Conditions:
Neuropathy, hereditary sensory and autonomic, type 2A (HSAN2A). Also called: ACROOSTEOLYSIS, GIACCAI TYPE; ACROOSTEOLYSIS, NEUROGENIC; MORVAN DISEASE; NEUROPATHY, CONGENITAL SENSORY; NEUROPATHY, HEREDITARY SENSORY RADICULAR, AUTOSOMAL RECESSIVE; NEUROPATHY, HEREDITARY SENSORY, TYPE IIA. Identifiers: Orphanet 970, MedGen C2752089, MONDO:0024309, OMIM 201300.
Generalized epilepsy with febrile seizures plus, type 7 (GEFSP7). Also called: GEFS+, TYPE 7. Identifiers: Orphanet 36387, MedGen C2751778, MONDO:0013470, OMIM 613863.

Submission:

Labcorp Genetics (formerly Invitae), Labcorp
Classification: Uncertain significance for Neuropathy, hereditary sensory and autonomic, type 2A; Generalized epilepsy with febrile seizures plus, type 7. Last evaluated: 2023-09-12. Review status: criteria provided, single submitter. Criteria: Invitae Variant Classification Sherloc (09022015). Collection method: clinical testing. Allele origin: germline.
Comment: Advanced modeling of protein sequence and biophysical properties (such as structural, functional, and spatial information, amino acid conservation, physicochemical variation, residue mobility, and thermodynamic stability) has been performed at Invitae for this missense variant, however the output from this modeling did not meet the statistical confidence thresholds required to predict the impact of this variant on SCN9A protein function. In summary, the available evidence is currently insufficient to determine the role of this variant in disease. Therefore, it has been classified as a Variant of Uncertain Significance. This variant has not been reported in the literature in individuals affected with SCN9A-related conditions. This variant is not present in population databases (gnomAD no frequency). This sequence change replaces leucine, which is neutral and non-polar, with serine, which is neutral and polar, at codon 1915 of the SCN9A protein (p.Leu1915Ser).